The following is an entry in ClinVar:

NM_000257.4(MYH7):c.4941G>A (p.Gln1647=)

Genes: MHRT (myosin heavy chain associated RNA transcript; plus strand), MYH7 (myosin heavy chain 7; minus strand), LOC126861897 (BRD4-independent group 4 enhancer GRCh37_chr14:23884455-23885654; plus strand). Cytogenetic location: 14q11.2.
Variant type: single nucleotide variant.
Coding change: c.4941G>A on transcript NM_000257.4 (MANE Select); coding-DNA position 4941, G replaced by A.
Protein change: p.Gln1647=; no amino-acid change (glutamine 1647 retained).
Molecular consequence: synonymous variant. On other transcripts: non-coding transcript variant (1).
Genome position (GRCh38, 1-based): chr14:23,416,016, C>T on the plus strand (G>A on the coding strand, the complement: MYH7 is on the minus strand). VCF-style: chr14-23416016-C-T. GRCh37 (hg19) VCF-style: chr14-23885225-C-T.
Other names: c.4941G>A (LRG_384t1).
Identifiers: ClinVar variation 516920 (VCV000516920.11), dbSNP rs749154313, ClinGen allele CA485766437.

ClinVar aggregate classification (germline): Likely benign. Review status: criteria provided, multiple submitters, no conflicts (2 of 4 stars). 5 submissions from 5 submitters: Likely benign (5). Last evaluated 2024-07-08.

Conditions:
Hypertrophic cardiomyopathy. Also called: HYPERTROPHIC MYOCARDIOPATHY. Identifiers: Orphanet 217569, MedGen C0007194, MeSH D002312, MONDO:0005045, HP:0001639.
Cardiovascular phenotype. Identifiers: MedGen CN230736.
Cardiomyopathy (CMYO). Also called: Cardiomyopathies. Identifiers: Orphanet 167848, MedGen C0878544, MONDO:0004994, HP:0001638. Inheritance: Various modes of inheritance.

Allele frequency attached by ClinVar (database versions not stated): gnomAD 0.00001; TOPMed 0.00001.
gnomAD v4.1: 6 of 1,614,084 alleles (0.00037%); highest among the groups gnomAD compares: African/African-American, 0.0013%; no homozygotes.

Submissions (5):

Labcorp Genetics (formerly Invitae), Labcorp
Classification: Likely benign for Hypertrophic cardiomyopathy. Last evaluated: 2024-07-08. Review status: criteria provided, single submitter. Criteria: Invitae Variant Classification Sherloc (09022015). Collection method: clinical testing. Allele origin: germline.

All of Us Research Program, National Institutes of Health
Classification: Likely benign for Cardiomyopathy. Last evaluated: 2023-12-18. Review status: criteria provided, single submitter. Criteria: ACMG Guidelines, 2015. Collection method: clinical testing. Allele origin: germline. Inheritance: Autosomal dominant inheritance. Observed: 3 variant alleles, 3 heterozygotes.
Comment: This study involves interpretation of variants in research participants for the purpose of population health screening. Participant phenotype was not available at the time of variant classification. Additional details can be found in publication PMID: 35346344, PMCID: PMC8962531

Ambry Genetics
Classification: Likely benign for Cardiovascular phenotype. Last evaluated: 2021-03-17. Review status: criteria provided, single submitter. Criteria: Ambry Variant Classification Scheme 2023. Collection method: clinical testing. Allele origin: germline.

GeneDx
Classification: Likely benign. Last evaluated: 2019-08-20. Review status: criteria provided, single submitter. Criteria: GeneDx Variant Classification Process June 2021. Collection method: clinical testing. Allele origin: germline. Affected: yes.

Color Diagnostics, LLC DBA Color Health
Classification: Likely benign for Cardiomyopathy. Last evaluated: 2018-10-08. Review status: criteria provided, single submitter. Criteria: ACMG Guidelines, 2015. Collection method: clinical testing. Allele origin: germline.